The following is an entry in ClinVar:

ClinVar aggregate classification (germline): Likely benign (1 of 4 stars; one submission).

Allele frequency attached by ClinVar (database versions not stated): gnomAD exomes below 0.00001.
gnomAD v4.1: 2 of 1,613,858 alleles (0.00012%); highest among the groups gnomAD compares: Non-Finnish European, 0.000085%; no homozygotes.

Submission:

CeGaT Center for Human Genetics Tuebingen
Classification: Likely benign. Last evaluated: 2023-07-01. Review status: criteria provided, single submitter. Criteria: CeGaT Center For Human Genetics Tuebingen Variant Classification Criteria Version 2. Collection method: clinical testing. Allele origin: germline. Affected: yes. Observed: 1 variant allele.
Comment: HSPG2: PM2:Supporting, BP4, BP7

NM_005529.7(HSPG2):c.6441G>A (p.Val2147=)

Genes: HSPG2 (heparan sulfate proteoglycan 2; minus strand), LOC126805655 (CDK7 strongly-dependent group 2 enhancer GRCh37_chr1:22178409-22179608; plus strand). Cytogenetic location: 1p36.12.
Variant type: single nucleotide variant.
Coding change: c.6441G>A on transcript NM_005529.7 (MANE Select); coding-DNA position 6441, G replaced by A.
Protein change: p.Val2147=; no amino-acid change (valine 2147 retained).
Molecular consequence: synonymous variant.
Genome position (GRCh38, 1-based): chr1:21,853,069, C>T on the plus strand (G>A on the coding strand, the complement: HSPG2 is on the minus strand). VCF-style: chr1-21853069-C-T. GRCh37 (hg19) VCF-style: chr1-22179562-C-T.
Other names: c.6444G>A, p.Val2148= (NM_001291860.2).
Identifiers: ClinVar variation 2638459 (VCV002638459.24), dbSNP rs2550686389, ClinGen allele CA416680449.